The following is an entry in ClinVar:

NM_001371986.1(UNC80):c.6778A>T (p.Asn2260Tyr)

Gene: UNC80 (unc-80 subunit of NALCN channel complex; plus strand). Cytogenetic location: 2q34.
Variant type: single nucleotide variant.
Coding change: c.6778A>T on transcript NM_001371986.1 (MANE Select); coding-DNA position 6778, A replaced by T.
Protein change: p.Asn2260Tyr; replaces asparagine 2260 with tyrosine.
Molecular consequence: missense variant.
Genome position (GRCh38, 1-based): chr2:209,941,352, A>T. VCF-style: chr2-209941352-A-T. GRCh37 (hg19) VCF-style: chr2-210806076-A-T.
Other names: c.6580A>T, p.Asn2194Tyr (NM_032504.2); c.6565A>T, p.Asn2189Tyr (NM_182587.4); short protein forms N2189Y, N2194Y, N2260Y.
Identifiers: ClinVar variation 5017175 (VCV005017175.1).

ClinVar aggregate classification (germline): Uncertain significance (1 of 4 stars; one submission).

Submission:

GeneDx
Classification: Uncertain significance. Last evaluated: 2026-03-24. Review status: criteria provided, single submitter. Criteria: GeneDx Variant Classification Process June 2021. Collection method: clinical testing. Allele origin: germline.
Comment: Not observed at significant frequency in large population cohorts (gnomAD); In silico analysis supports that this missense variant has a deleterious effect on protein structure/function; Has not been previously published as pathogenic or benign to our knowledge